The following is an entry in ClinVar:

ClinVar aggregate classification (germline): Uncertain significance. Review status: criteria provided, multiple submitters, no conflicts (2 of 4 stars). 7 submissions from 6 submitters: Uncertain significance (7). Last evaluated 2024-09-13.

Conditions:
Muscular dystrophy-dystroglycanopathy (congenital without impaired intellectual development), type B, 4. Also called: Muscular dystrophy-dystroglycanopathy (congenital without intellectual disability), type B4; MUSCULAR DYSTROPHY, CONGENITAL, FKTN-RELATED. Identifiers: MedGen C2751052, MONDO:0013156, OMIM 613152.
Dilated cardiomyopathy 1X (CMD1X). Also called: CARDIOMYOPATHY, DILATED, WITH MILD OR NO PROXIMAL MUSCLE WEAKNESS; FKTN-Related Dilated Cardiomyopathy. Identifiers: Orphanet 154, MedGen C1969024, MONDO:0012704, OMIM 611615.
Muscular dystrophy-dystroglycanopathy (congenital with brain and eye anomalies), type A, 4 (MDDGA4). Also called: Walker-Warburg Syndrome, Fktn-Related; Muscular dystrophy, congenital progressive, with mental retardation; Muscular dystrophy, congenital, with central nervous system involvement; Cerebromuscular dystrophy, Fukuyama type; Congenital muscular dystrophy-dystroglycanopathy with brain and eye anomalies, type A4; WALKER-WARBURG SYNDROME OR MUSCLE-EYE-BRAIN DISEASE, FKTN-RELATED. Identifiers: Orphanet 272, Orphanet 588, Orphanet 899, MedGen C0410174, MONDO:0009678, OMIM 253800.
Autosomal recessive limb-girdle muscular dystrophy type 2M. Also called: MUSCULAR DYSTROPHY-DYSTROGLYCANOPATHY (LIMB-GIRDLE), TYPE C, 4; MUSCULAR DYSTROPHY, LIMB-GIRDLE, TYPE 2M. Identifiers: Orphanet 206554, MedGen C1969040, MONDO:0012699, OMIM 611588.
Walker-Warburg congenital muscular dystrophy. Also called: Muscular dystrophy-dystroglycanopathy, type A; Walker-Warburg syndrome. Identifiers: Orphanet 899, MedGen C0265221, MONDO:0000171.

gnomAD v4.1: 42 of 1,536,680 alleles (0.0027%); highest among the groups gnomAD compares: South Asian, 0.0047%; no homozygotes.

Submissions (7):

Blueprint Genetics
Classification: Uncertain significance. Last evaluated: 2024-09-13. Review status: criteria provided, single submitter. Criteria: ACMG Guidelines, 2015. Collection method: clinical testing. Allele origin: germline.

Fulgent Genetics
Classification: Uncertain significance for Muscular dystrophy-dystroglycanopathy (congenital with brain and eye anomalies), type A, 4; Autosomal recessive limb-girdle muscular dystrophy type 2M; Dilated cardiomyopathy 1X; Muscular dystrophy-dystroglycanopathy (congenital without impaired intellectual development), type B, 4. Last evaluated: 2024-06-06. Review status: criteria provided, single submitter. Criteria: ACMG Guidelines, 2015. Collection method: clinical testing. Allele origin: germline.

GeneDx
Classification: Uncertain significance. Last evaluated: 2024-02-27. Review status: criteria provided, single submitter. Criteria: GeneDx Variant Classification Process June 2021. Collection method: clinical testing. Allele origin: germline. Affected: yes.
Comment: Reported along with a second variant in the FKTN gene in a patient with congenital muscular dystrophy and cardiomyopathy; however, complete segregation information was not provided (Freire et al., 2019); Published RNA studies suggest a deleterious effect on splicing; however, limited information is available in the abstract (Freire et al., 2019); Not observed at significant frequency in large population cohorts (gnomAD); In silico analysis supports a deleterious effect on splicing; This variant is associated with the following publications: (PMID: Freire2019[abstract])

Labcorp Genetics (formerly Invitae), Labcorp
Classification: Uncertain significance for Walker-Warburg congenital muscular dystrophy. Last evaluated: 2022-08-18. Review status: criteria provided, single submitter. Criteria: Invitae Variant Classification Sherloc (09022015). Collection method: clinical testing. Allele origin: germline.
Comment: This sequence change falls in intron 8 of the FKTN gene. It does not directly change the encoded amino acid sequence of the FKTN protein. This variant is present in population databases (rs766103012, gnomAD 0.005%). This variant has not been reported in the literature in individuals affected with FKTN-related conditions. ClinVar contains an entry for this variant (Variation ID: 381052). Algorithms developed to predict the effect of sequence changes on RNA splicing suggest that this variant may disrupt the consensus splice site. In summary, the available evidence is currently insufficient to determine the role of this variant in disease. Therefore, it has been classified as a Variant of Uncertain Significance.

Women's Health and Genetics/Laboratory Corporation of America, LabCorp
Classification: Uncertain significance. Last evaluated: 2022-04-05. Review status: criteria provided, single submitter. Criteria: LabCorp Variant Classification Summary - May 2015. Collection method: clinical testing. Allele origin: germline.

Illumina Laboratory Services, Illumina
Classification: Uncertain significance for Dilated cardiomyopathy 1X. Last evaluated: 2018-01-13. Review status: criteria provided, single submitter. Criteria: ICSL Variant Classification Criteria 13 December 2019. Collection method: clinical testing. Allele origin: germline.

Illumina Laboratory Services, Illumina
Classification: Uncertain significance for Muscular dystrophy-dystroglycanopathy (congenital with brain and eye anomalies), type A, 4. Last evaluated: 2018-01-13. Review status: criteria provided, single submitter. Criteria: ICSL Variant Classification Criteria 13 December 2019. Collection method: clinical testing. Allele origin: germline.

NM_001079802.2(FKTN):c.911-13A>G

Gene: FKTN (fukutin; plus strand). Cytogenetic location: 9q31.2.
Variant type: single nucleotide variant.
Coding change: c.911-13A>G on transcript NM_001079802.2 (MANE Select); 13 bases into the intron before coding-DNA position 911, A replaced by G.
Molecular consequence: intron variant.
Genome position (GRCh38, 1-based): chr9:105,617,946, A>G. VCF-style: chr9-105617946-A-G. GRCh37 (hg19) VCF-style: chr9-108380227-A-G.
Other names: c.911-13A>G (NM_006731.2, NM_001351496.2, NM_001198963.2 and 1 more transcripts); c.515-13A>G (NM_001351502.2, NM_001351499.2, NM_001351500.2 and 1 more transcripts); c.842-13A>G (NM_001351497.2).
Identifiers: ClinVar variation 381052 (VCV000381052.14), dbSNP rs766103012, ClinGen allele CA5170530.